The following is an entry in ClinVar:

NM_000152.5(GAA):c.935T>G (p.Leu312Arg)

Gene: GAA (alpha glucosidase; plus strand). Cytogenetic location: 17q25.3.
Variant type: single nucleotide variant.
Coding change: c.935T>G on transcript NM_000152.5 (MANE Select); coding-DNA position 935, T replaced by G.
Protein change: p.Leu312Arg; replaces leucine 312 with arginine.
Molecular consequence: missense variant.
Genome position (GRCh38, 1-based): chr17:80,107,876, T>G. VCF-style: chr17-80107876-T-G. GRCh37 (hg19) VCF-style: chr17-78081675-T-G.
Other names: c.935T>G, p.Leu312Arg (NM_001079803.3, NM_001079804.3, NM_001406741.1 and 1 more transcripts); short protein forms L312R.
Identifiers: ClinVar variation 4081407 (VCV004081407.2).

ClinVar aggregate classification (germline): Conflicting classifications of pathogenicity. Review status: criteria provided, conflicting classifications (1 of 4 stars). 2 submissions from 2 submitters: Likely pathogenic (1); Uncertain significance (1). Last evaluated 2026-07-01.

Conditions:
Glycogen storage disease, type II (IOPD). Also called: POMPE DISEASE, INFANTILE-ONSET; GLYCOGEN STORAGE DISEASE II, INFANTILE-ONSET; ACID ALPHA-GLUCOSIDASE DEFICIENCY, INFANTILE-ONSET; GAA DEFICIENCY, INFANTILE-ONSET; ACID MALTASE DEFICIENCY, INFANTILE-ONSET; Glucosidase acid-1,4-alpha deficiency. Identifiers: Orphanet 365, MedGen C0017921, MONDO:0009290, OMIM 232300.

Submissions (2):

Genomenon, Inc
Classification: Uncertain significance for Glycogen storage disease, type II. Last evaluated: 2026-07-01. Review status: criteria provided, single submitter. Criteria: Genomenon Sequence Variant Interpretation Standards - Updated. Collection method: curation. Allele origin: germline. Affected: yes.
Comment: GAA p.Leu312Arg (c.935T>G) is a missense variant that changes the amino acid at codon 312 from Leucine to Arginine. This variant has been observed in at least one proband with a GAA-related disorder in the compound heterozygous and/or homozygous state (PMID:14695532). At least one functional study has demonstrated a substantial alteration in protein function relative to the wild-type (PMID:19862843). It is absent or not present at a significant frequency in gnomAD. In silico models predict that this variant is possibly or probably damaging. In conclusion, we classify GAA p.Leu312Arg (c.935T>G) as a variant of uncertain significance.

Revvity Omics, Revvity
Classification: Likely pathogenic. Last evaluated: 2024-04-30. Review status: criteria provided, single submitter. Criteria: ACMG Guidelines, 2015. Collection method: clinical testing. Allele origin: germline.

Literature cited by the submitters: PubMed 14695532 (cited by Genomenon, Inc); PubMed 19862843 (cited by Genomenon, Inc).